The following is an entry in ClinVar:

ClinVar aggregate classification (germline): Uncertain significance (1 of 4 stars; one submission).

Conditions:
Alzheimer disease. Also called: Presenile and senile dementia; Alzheimer's disease. Identifiers: Orphanet 1020, MedGen C0002395, MeSH D000544, MONDO:0004975, HP:0002511.

gnomAD v4.1: 5 of 1,601,812 alleles (0.00031%); highest among the groups gnomAD compares: Middle Eastern, 0.017%; no homozygotes.

Submission:

Labcorp Genetics (formerly Invitae), Labcorp
Classification: Uncertain significance for Alzheimer disease. Last evaluated: 2025-12-16. Review status: criteria provided, single submitter. Criteria: Invitae Variant Classification Sherloc (09022015). Collection method: clinical testing. Allele origin: germline.
Comment: This sequence change falls in intron 4 of the APP gene. It does not directly change the encoded amino acid sequence of the APP protein. It affects a nucleotide within the consensus splice site. This variant is present in population databases (no rsID available, gnomAD 0.003%). This variant has not been reported in the literature in individuals affected with APP-related conditions. Variants that disrupt the consensus splice site are a relatively common cause of aberrant splicing (PMID: 17576681, 9536098). Algorithms developed to predict the effect of sequence changes on RNA splicing suggest that this variant is not likely to affect RNA splicing. In summary, the available evidence is currently insufficient to determine the role of this variant in disease. Therefore, it has been classified as a Variant of Uncertain Significance.

Literature cited by the submitters: PubMed 17576681; PubMed 9536098.

NM_000484.4(APP):c.468+4C>G

Gene: APP (amyloid beta precursor protein; minus strand). Cytogenetic location: 21q21.3.
Variant type: single nucleotide variant.
Coding change: c.468+4C>G on transcript NM_000484.4 (MANE Select); 4 bases into the intron after coding-DNA position 468, C replaced by G.
Molecular consequence: intron variant.
Genome position (GRCh38, 1-based): chr21:26,053,232, G>C on the plus strand (C>G on the coding strand, the complement: APP is on the minus strand). VCF-style: chr21-26053232-G-C. GRCh37 (hg19) VCF-style: chr21-27425548-G-C.
Other names: c.363+4C>G (NM_001136131.3); c.300+4C>G (NM_001136129.3, NM_001136130.3); c.468+4C>G (NM_001204303.2, NM_201414.3, NM_001385253.1 and 3 more transcripts); c.453+4C>G (NM_001136016.3).
Identifiers: ClinVar variation 4738129 (VCV004738129.1).